The following is an entry in ClinVar:

ClinVar aggregate classification (germline): Likely pathogenic. Review status: criteria provided, multiple submitters, no conflicts (2 of 4 stars). 2 submissions from 2 submitters: Likely pathogenic (2). Last evaluated 2025-10-27.

Conditions:
Autosomal dominant optic atrophy classic form (OPA1). Also called: KJER-TYPE OPTIC ATROPHY; OPTIC ATROPHY, JUVENILE; Optic Atrophy Type 1. Identifiers: Orphanet 98673, MedGen C0338508, MONDO:0008134, OMIM 165500.

Submissions (2):

Institute of Human Genetics, University of Leipzig Medical Center
Classification: Likely pathogenic for Autosomal dominant optic atrophy classic form. Last evaluated: 2025-10-27. Review status: criteria provided, single submitter. Criteria: ACMG Guidelines, 2015. Collection method: clinical testing. Allele origin: unknown. Inheritance: Autosomal dominant inheritance. Affected: yes.
Comment: Criteria applied: PS4_MOD,PM2,PM5,PS3_SUP,PP3

GeneDx
Classification: Likely pathogenic. Last evaluated: 2023-12-13. Review status: criteria provided, single submitter. Criteria: GeneDx Variant Classification Process June 2021. Collection method: clinical testing. Allele origin: germline. Affected: yes.
Comment: Not observed at significant frequency in large population cohorts (gnomAD); In silico analysis supports that this missense variant has a deleterious effect on protein structure/function; This variant is associated with the following publications: (PMID: 19969356, 22800932, 33841295, 19319978, 25205859, 25744979)

NM_130837.3(OPA1):c.3011T>C (p.Leu1004Pro)

Gene: OPA1 (OPA1 mitochondrial dynamin like GTPase; plus strand). Cytogenetic location: 3q29.
Variant type: single nucleotide variant.
Coding change: c.3011T>C on transcript NM_130837.3 (MANE Select); coding-DNA position 3011, T replaced by C.
Protein change: p.Leu1004Pro; replaces leucine 1004 with proline.
Molecular consequence: missense variant.
Genome position (GRCh38, 1-based): chr3:193,692,090, T>C. VCF-style: chr3-193692090-T-C. GRCh37 (hg19) VCF-style: chr3-193409879-T-C.
Other names: c.2477T>C, p.Leu826Pro (NM_001354663.2); c.2474T>C, p.Leu825Pro (NM_001354664.2); c.2846T>C, p.Leu949Pro (NM_015560.3); c.2738T>C, p.Leu913Pro (NM_130831.3); c.2792T>C, p.Leu931Pro (NM_130832.3); c.2849T>C, p.Leu950Pro (NM_130833.3); c.2900T>C, p.Leu967Pro (NM_130834.3); c.2903T>C, p.Leu968Pro (NM_130835.3); and 1 more; short protein forms L1004P, L825P, L826P, L913P, L931P, L949P, L950P, L967P.
Identifiers: ClinVar variation 3338791 (VCV003338791.2).